The following is an entry in ClinVar:

NM_004366.6(CLCN2):c.2691C>T (p.Cys897=)

Gene: CLCN2 (chloride voltage-gated channel 2; minus strand). Cytogenetic location: 3q27.1.
Variant type: single nucleotide variant.
Coding change: c.2691C>T on transcript NM_004366.6 (MANE Select); coding-DNA position 2691, C replaced by T.
Protein change: p.Cys897=; no amino-acid change (cysteine 897 retained).
Molecular consequence: synonymous variant.
Genome position (GRCh38, 1-based): chr3:184,346,612, G>A on the plus strand (C>T on the coding strand, the complement: CLCN2 is on the minus strand). VCF-style: chr3-184346612-G-A. GRCh37 (hg19) VCF-style: chr3-184064400-G-A.
Other names: c.2640C>T, p.Cys880= (NM_001171087.3); c.2559C>T, p.Cys853= (NM_001171088.3); c.2604C>T, p.Cys868= (NM_001171089.3).
Identifiers: ClinVar variation 2654319 (VCV002654319.24), dbSNP rs2474221004, ClinGen allele CA437331317.

ClinVar aggregate classification (germline): Likely benign (1 of 4 stars; one submission).

Submission:

CeGaT Center for Human Genetics Tuebingen
Classification: Likely benign. Last evaluated: 2023-01-01. Review status: criteria provided, single submitter. Criteria: CeGaT Center For Human Genetics Tuebingen Variant Classification Criteria Version 2. Collection method: clinical testing. Allele origin: germline. Affected: yes. Observed: 1 variant allele.
Comment: CLCN2: PM2:Supporting, BP4, BP7